The following is an entry in ClinVar:

ClinVar aggregate classification (germline): Uncertain significance. Review status: criteria provided, multiple submitters, no conflicts (2 of 4 stars). 5 submissions from 4 submitters: Uncertain significance (5). Last evaluated 2024-09-14.

Conditions:
Frontotemporal dementia and/or amyotrophic lateral sclerosis 6 (FTDALS6). Also called: VCP-Related Amyotrophic Lateral Sclerosis/Frontotemporal Dementia; VCP-Related Amyotrophic Lateral Sclerosis. Identifiers: Orphanet 275872, Orphanet 803, MedGen C5436279, MONDO:0013501, OMIM 613954.
Inclusion body myopathy with Paget disease of bone and frontotemporal dementia. Also called: Inclusion body myopathy with early-onset Paget disease and frontotemporal dementia. Identifiers: Orphanet 52430, MedGen C1833662, MONDO:0000507.
Inclusion body myopathy with Paget disease of bone and frontotemporal dementia type 1. Also called: MULTISYSTEM PROTEINOPATHY 1; Inclusion body myopathy with early-onset Paget disease with or without frontotemporal dementia 1; Inclusion body myopathy with early-onset Paget disease and frontotemporal dementia 1. Identifiers: MedGen C4551951, MONDO:0008178, OMIM 167320.

Allele frequency attached by ClinVar (database versions not stated): gnomAD exomes below 0.00001.
gnomAD v4.1: 4 of 1,614,258 alleles (0.00025%); highest among the groups gnomAD compares: Non-Finnish European, 0.00034%; no homozygotes.

Submissions (5):

Labcorp Genetics (formerly Invitae), Labcorp
Classification: Uncertain significance for Inclusion body myopathy with Paget disease of bone and frontotemporal dementia; Frontotemporal dementia and/or amyotrophic lateral sclerosis 6. Last evaluated: 2024-09-14. Review status: criteria provided, single submitter. Criteria: Invitae Variant Classification Sherloc (09022015). Collection method: clinical testing. Allele origin: germline.
Comment: This sequence change replaces lysine, which is basic and polar, with arginine, which is basic and polar, at codon 62 of the VCP protein (p.Lys62Arg). This variant is not present in population databases (gnomAD no frequency). This missense change has been observed in individual(s) with VCP-related conditions (PMID: 34020145). ClinVar contains an entry for this variant (Variation ID: 366720). Invitae Evidence Modeling of protein sequence and biophysical properties (such as structural, functional, and spatial information, amino acid conservation, physicochemical variation, residue mobility, and thermodynamic stability) indicates that this missense variant is not expected to disrupt VCP protein function with a negative predictive value of 95%. In summary, the available evidence is currently insufficient to determine the role of this variant in disease. Therefore, it has been classified as a Variant of Uncertain Significance.

Blueprint Genetics
Classification: Uncertain significance. Last evaluated: 2024-07-01. Review status: criteria provided, single submitter. Criteria: ACMG Guidelines, 2015. Collection method: clinical testing. Allele origin: germline.

Revvity Omics, Revvity
Classification: Uncertain significance. Last evaluated: 2024-02-27. Review status: criteria provided, single submitter. Criteria: ACMG Guidelines, 2015. Collection method: clinical testing. Allele origin: germline.

Illumina Laboratory Services, Illumina
Classification: Uncertain significance for Frontotemporal dementia and/or amyotrophic lateral sclerosis 6. Last evaluated: 2018-01-13. Review status: criteria provided, single submitter. Criteria: ICSL Variant Classification Criteria 13 December 2019. Collection method: clinical testing. Allele origin: germline.

Illumina Laboratory Services, Illumina
Classification: Uncertain significance for Inclusion body myopathy with Paget disease of bone and frontotemporal dementia type 1. Last evaluated: 2018-01-13. Review status: criteria provided, single submitter. Criteria: ICSL Variant Classification Criteria 13 December 2019. Collection method: clinical testing. Allele origin: germline.

Literature cited by the submitters: PubMed 34020145 (cited by Labcorp Genetics (formerly Invitae), Labcorp).

NM_007126.5(VCP):c.185A>G (p.Lys62Arg)

Gene: VCP (valosin containing protein; minus strand). Cytogenetic location: 9p13.3.
Variant type: single nucleotide variant.
Coding change: c.185A>G on transcript NM_007126.5 (MANE Select); coding-DNA position 185, A replaced by G.
Protein change: p.Lys62Arg; replaces lysine 62 with arginine.
Molecular consequence: missense variant.
Genome position (GRCh38, 1-based): chr9:35,068,008, T>C on the plus strand (A>G on the coding strand, the complement: VCP is on the minus strand). VCF-style: chr9-35068008-T-C. GRCh37 (hg19) VCF-style: chr9-35068005-T-C.
Other names: c.50A>G, p.Lys17Arg (NM_001354927.2, NM_001354928.2); short protein forms K62R, K17R.
Identifiers: ClinVar variation 366720 (VCV000366720.9), dbSNP rs886063892, ClinGen allele CA10633918.